The following is an entry in ClinVar:

NM_153717.3(EVC):c.473C>G (p.Ser158Cys)

Gene: EVC (EvC ciliary complex subunit 1; plus strand). Cytogenetic location: 4p16.2.
Variant type: single nucleotide variant.
Coding change: c.473C>G on transcript NM_153717.3 (MANE Select); coding-DNA position 473, C replaced by G.
Protein change: p.Ser158Cys; replaces serine 158 with cysteine.
Molecular consequence: missense variant.
Genome position (GRCh38, 1-based): chr4:5,731,513, C>G. VCF-style: chr4-5731513-C-G. GRCh37 (hg19) VCF-style: chr4-5733240-C-G.
Other names: c.473C>G, p.Ser158Cys (NM_001306090.2, NM_001306092.2); short protein forms S158C.
Identifiers: ClinVar variation 197382 (VCV000197382.22), dbSNP rs150284356, ClinGen allele CA202844.
Genomic context (GRCh38, chr4:5,731,513, plus strand): 5'-CTCTGCATGAAAACTTAAAGCAGGCTGTTTTGCCACACCAGCCGGTAGAGGCCTCTCCTT[C>G]CAGCAGTCTGGGGAGCCTGAGCCAGGGTGAGAAGGACGACTGCAGCTCCTCATCCAGCGT-3'
Protein context (NP_714928.1, residues 148-168): LPHQPVEASP[Ser158Cys]SSLGSLSQGE

ClinVar aggregate classification (germline): Benign/Likely benign. Review status: criteria provided, multiple submitters, no conflicts (2 of 4 stars). 5 submissions from 5 submitters: Benign (4); Likely benign (1). Last evaluated 2026-01-28.

Conditions:
Curry-Hall syndrome (WAD). Also called: WEYERS ACRODENTAL DYSOSTOSIS. Identifiers: Orphanet 952, MedGen C0457013, MONDO:0008673, OMIM 193530.
Ellis-van Creveld syndrome (EVC). Also called: Chondroectodermal dysplasia; MESOECTODERMAL DYSPLASIA. Identifiers: Orphanet 289, MedGen C0013903, MONDO:0009162, OMIM 225500.

Allele frequency attached by ClinVar (database versions not stated): gnomAD 0.00011 and 0.00097; ESP Exome Variant Server 0.00023; TOPMed 0.00023; gnomAD exomes 0.00195 and 0.00422; ExAC 0.00481; 1000 Genomes Project 30x 0.00547; 1000 Genomes Project 0.00579.
gnomAD v4.1: 2,988 of 1,614,126 alleles (0.19%); highest among the groups gnomAD compares: South Asian, 3.1%; 57 homozygotes.

Submissions (5):

Labcorp Genetics (formerly Invitae), Labcorp
Classification: Benign for Curry-Hall syndrome; Ellis-van Creveld syndrome. Last evaluated: 2026-01-28. Review status: criteria provided, single submitter. Criteria: Invitae Variant Classification Sherloc (09022015). Collection method: clinical testing. Allele origin: germline.

Blueprint Genetics
Classification: Likely benign. Last evaluated: 2024-11-25. Review status: criteria provided, single submitter. Criteria: ACMG Guidelines, 2015. Collection method: clinical testing. Allele origin: germline.

GeneDx
Classification: Benign. Last evaluated: 2018-07-31. Review status: criteria provided, single submitter. Criteria: GeneDx Variant Classification Process June 2021. Collection method: clinical testing. Allele origin: germline. Affected: yes.

Illumina Laboratory Services, Illumina
Classification: Benign for Ellis-van Creveld syndrome. Last evaluated: 2018-01-13. Review status: criteria provided, single submitter. Criteria: ICSL Variant Classification Criteria 13 December 2019. Collection method: clinical testing. Allele origin: germline.
Comment: This variant was observed in the ICSL laboratory as part of a predisposition screen in an ostensibly healthy population. It had not been previously curated by ICSL or reported in the Human Gene Mutation Database (HGMD: prior to June 1st, 2018), and was therefore a candidate for classification through an automated scoring system. Utilizing variant allele frequency, disease prevalence and penetrance estimates, and inheritance mode, an automated score was calculated to assess if this variant is too frequent to cause the disease. Based on the score and internal cut-off values, a variant classified as benign is not then subjected to further curation. The score for this variant resulted in a classification of benign for this disease.

Eurofins Ntd Llc (ga)
Classification: Benign. Last evaluated: 2015-02-26. Review status: criteria provided, single submitter. Criteria: EGL Classification Definitions 2015. Collection method: clinical testing. Allele origin: germline. Observed: 1 variant allele, 1 heterozygote.